The following is an entry in ClinVar:

ClinVar aggregate classification (germline): Pathogenic (1 of 4 stars; one submission).

Conditions:
Intellectual developmental disorder, autosomal dominant 51. Also called: Intellectual disability, autosomal dominant 51; MENTAL RETARDATION, AUTOSOMAL DOMINANT 51. Identifiers: Orphanet 684226, MedGen C4540474, MONDO:0030917, OMIM 617788.

Submission:

Victorian Clinical Genetics Services, Murdoch Childrens Research Institute
Classification: Pathogenic for Intellectual developmental disorder, autosomal dominant 51. Last evaluated: 2024-10-09. Review status: criteria provided, single submitter. Criteria: ACMG Guidelines, 2015. Collection method: clinical testing. Allele origin: germline. Inheritance: Autosomal dominant inheritance. Affected: yes.
Comment: Based on the classification scheme VCGS_Germline_v1.3.4, this variant is classified as Pathogenic. Following criteria are met: 0102 - Loss of function is a known mechanism of disease in this gene and is associated with autosomal dominant intellectual developmental disorder 51 (MIM#617788). (I) 0107 - This gene is associated with autosomal dominant disease. (I) 0115 - Variants in this gene are known to have variable expressivity (PMID: 35433545). (I) 0204 - Variant is predicted to result in a truncated protein (premature termination codon is NOT located at least 54 nucleotides upstream of the final exon-exon junction) with at least 1/3 of the protein sequence affected. (SP) 0251 - This variant is heterozygous. (I) 0301 - Variant is absent from gnomAD (both v2 and v3). (SP) 0604 - Variant does not disrupt an established domain, motif, hotspot or informative constraint region. (I) 0701 - Other downstream protein truncating variants comparable to the one identified in this case have very strong previous evidence for pathogenicity (DECIPHER). (SP) 0807 - This variant has no previous evidence of pathogenicity. (I) 0905 - No published segregation evidence has been identified for this variant. (I) 1007 - No published functional evidence has been identified for this variant. (I) Legend: (SP) - Supporting pathogenic, (I) - Information, (SB) - Supporting benign

Literature cited by the submitters: PubMed 35433545.

NM_017635.5(KMT5B):c.1298_1301del (p.Asn433fs)

Gene: KMT5B (lysine methyltransferase 5B; minus strand). Cytogenetic location: 11q13.2.
Variant type: Microsatellite.
Coding change: c.1298_1301del on transcript NM_017635.5 (MANE Select); coding-DNA positions 1298 to 1301, 4 bases deleted (ATAA; older notation c.1298_1301delATAA).
Protein change: p.Asn433fs; shifts the reading frame from asparagine 433.
Molecular consequence: frameshift variant.
Genome position (GRCh38, 1-based): chr11:68,159,045-68,159,048, TTAT deleted on the plus strand (ATAA on the coding strand, the reverse complement: KMT5B is on the minus strand); deleting any 4 consecutive bases within chr11:68,159,045-68,159,052 gives the same sequence; the c. name uses the placement nearest the transcript's 3' end. VCF-style (leftmost placement, unchanged base first): chr11-68159044-ATTAT-A. GRCh37 (hg19) VCF-style: chr11-67926511-ATTAT-A.
Other names: c.782_785del, p.Asn261fs (NM_001300907.1, NM_001369428.1, NM_001369429.1 and 4 more transcripts); c.578_581del, p.Asn193fs (NM_001300908.2); c.1298_1301del, p.Asn433fs (NM_001369426.1); short protein forms N193fs, N261fs, N433fs.
Identifiers: ClinVar variation 3377210 (VCV003377210.1).